The following is an entry in ClinVar:

NM_004380.3(CREBBP):c.1993C>T (p.Leu665=)

Gene: CREBBP (CREB binding lysine acetyltransferase; minus strand). Cytogenetic location: 16p13.3.
Variant type: single nucleotide variant.
Coding change: c.1993C>T on transcript NM_004380.3 (MANE Select); coding-DNA position 1993, C replaced by T.
Protein change: p.Leu665=; no amino-acid change (leucine 665 retained).
Molecular consequence: synonymous variant.
Genome position (GRCh38, 1-based): chr16:3,778,131, G>A on the plus strand (C>T on the coding strand, the complement: CREBBP is on the minus strand). VCF-style: chr16-3778131-G-A. GRCh37 (hg19) VCF-style: chr16-3828132-G-A.
Other names: c.1879C>T, p.Leu627= (NM_001079846.1).
Identifiers: ClinVar variation 3029349 (VCV003029349.2), dbSNP rs971612814, ClinGen allele CA276973522.

ClinVar aggregate classification (germline): Likely benign (0 of 4 stars; one submission).

Conditions:
CREBBP-related disorder. Also called: CREBBP-related condition; CREBBP-related disorders.

Allele frequency attached by ClinVar (database versions not stated): gnomAD exomes below 0.00001; TOPMed below 0.00001.
gnomAD v4.1: 2 of 1,613,302 alleles (0.00012%); highest among the groups gnomAD compares: Non-Finnish European, 0.00017%; no homozygotes.

Submission:

PreventionGenetics, part of Exact Sciences
Classification: Likely benign for CREBBP-related condition. Last evaluated: 2022-05-10. Review status: no assertion criteria provided. Collection method: clinical testing. Allele origin: germline.
Comment: This variant is classified as likely benign based on ACMG/AMP sequence variant interpretation guidelines (Richards et al. 2015 PMID: 25741868, with internal and published modifications).